The following is an entry in ClinVar:

ClinVar aggregate classification (germline): Uncertain significance. Review status: criteria provided, multiple submitters, no conflicts (2 of 4 stars). 3 submissions from 3 submitters: Uncertain significance (2). 1 of the submissions does not count toward it. Last evaluated 2025-10-03.

Conditions:
Cardiovascular phenotype. Identifiers: MedGen CN230736.
LOX-related disorder. Also called: LOX-related disorders; LOX-related condition.

Allele frequency attached by ClinVar (database versions not stated): gnomAD exomes below 0.00001; TOPMed 0.00001.
gnomAD v4.1: 4 of 1,613,140 alleles (0.00025%); highest among the groups gnomAD compares: Non-Finnish European, 0.00034%; no homozygotes.

Submissions (3):

Labcorp Genetics (formerly Invitae), Labcorp
Classification: Uncertain significance. Last evaluated: 2025-10-03. Review status: criteria provided, single submitter. Criteria: Invitae Variant Classification Sherloc (09022015). Collection method: clinical testing. Allele origin: germline.
Comment: This sequence change replaces asparagine, which is neutral and polar, with serine, which is neutral and polar, at codon 144 of the LOX protein (p.Asn144Ser). This variant is present in population databases (no rsID available, gnomAD 0.0009%). This missense change has been observed in individual(s) with clinical features of LOX-related conditions (internal data). ClinVar contains an entry for this variant (Variation ID: 1377510). Invitae Evidence Modeling of protein sequence and biophysical properties (such as structural, functional, and spatial information, amino acid conservation, physicochemical variation, residue mobility, and thermodynamic stability) indicates that this missense variant is not expected to disrupt LOX protein function with a negative predictive value of 95%. In summary, the available evidence is currently insufficient to determine the role of this variant in disease. Therefore, it has been classified as a Variant of Uncertain Significance.

Ambry Genetics
Classification: Uncertain significance for Cardiovascular phenotype. Last evaluated: 2024-04-07. Review status: criteria provided, single submitter. Criteria: Ambry Variant Classification Scheme 2023. Collection method: clinical testing. Allele origin: germline.
Comment: The p.N144S variant (also known as c.431A>G), located in coding exon 1 of the LOX gene, results from an A to G substitution at nucleotide position 431. The asparagine at codon 144 is replaced by serine, an amino acid with highly similar properties. This amino acid position is conserved. In addition, this alteration is predicted to be tolerated by in silico analysis. Since supporting evidence is limited at this time, the clinical significance of this alteration remains unclear.

PreventionGenetics, part of Exact Sciences
Classification: Uncertain significance for LOX-related condition. Last evaluated: 2024-03-18. Review status: no assertion criteria provided. Collection method: clinical testing. Allele origin: germline. Not counted in ClinVar's aggregate classification.
Comment: The LOX c.431A>G variant is predicted to result in the amino acid substitution p.Asn144Ser. To our knowledge, this variant has not been reported in the literature. This variant is reported in 0.00091% of alleles in individuals of European (Non-Finnish) descent in gnomAD. At this time, the clinical significance of this variant is uncertain due to the absence of conclusive functional and genetic evidence.

NM_002317.7(LOX):c.431A>G (p.Asn144Ser)

Genes: LOX (lysyl oxidase; minus strand), SRFBP1 (serum response factor binding protein 1; plus strand). Cytogenetic location: 5q23.1.
Variant type: single nucleotide variant.
Coding change: c.431A>G on transcript NM_002317.7 (MANE Select); coding-DNA position 431, A replaced by G.
Protein change: p.Asn144Ser; replaces asparagine 144 with serine.
Molecular consequence: missense variant.
Genome position (GRCh38, 1-based): chr5:122,077,555, T>C on the plus strand (A>G on the coding strand, the complement: LOX is on the minus strand). VCF-style: chr5-122077555-T-C. GRCh37 (hg19) VCF-style: chr5-121413250-T-C.
Other names: c.431A>G (NM_002317.6); short protein forms N144S.
Identifiers: ClinVar variation 1377510 (VCV001377510.10), dbSNP rs1358871918, ClinGen allele CA360876261.